The following is an entry in ClinVar:

NM_020843.4(SCAPER):c.772+2022C>G

Gene: SCAPER (S-phase cyclin A associated protein in the ER; minus strand). Cytogenetic location: 15q24.3.
Variant type: single nucleotide variant.
Coding change: c.772+2022C>G on transcript NM_020843.4 (MANE Select); 2022 bases into the intron after coding-DNA position 772, C replaced by G.
Molecular consequence: intron variant. On other transcripts: synonymous variant (1).
Genome position (GRCh38, 1-based): chr15:76,793,258, G>C on the plus strand (C>G on the coding strand, the complement: SCAPER is on the minus strand). VCF-style: chr15-76793258-G-C. GRCh37 (hg19) VCF-style: chr15-77085599-G-C.
Other names: c.9C>G, p.Thr3= (NM_001145923.2); c.370+2022C>G (NM_001353011.2, NM_001353012.2, NM_001353010.2); c.772+2022C>G (NM_001353009.2).
Identifiers: ClinVar variation 4977809 (VCV004977809.1).

ClinVar aggregate classification (germline): Likely benign (1 of 4 stars; one submission).

Conditions:
SCAPER-related disorder. Also called: SCAPER-related condition.

gnomAD v4.1: 26 of 1,027,106 alleles (0.0025%); highest among the groups gnomAD compares: Non-Finnish European, 0.0036%; no homozygotes.

Submission:

PreventionGenetics, part of Exact Sciences
Classification: Likely benign for SCAPER-related condition. Last evaluated: 2025-12-01. Review status: criteria provided, single submitter. Criteria: ACMG Guidelines, 2015. Collection method: clinical testing. Allele origin: germline.
Comment: This variant is classified as likely benign based on ACMG/AMP sequence variant interpretation guidelines (Richards et al. 2015 PMID: 25741868, with internal and published modifications).